The following is an entry in ClinVar:

ClinVar aggregate classification (germline): Uncertain significance (1 of 4 stars; one submission).

Allele frequency attached by ClinVar (database versions not stated): gnomAD 0.00001.
gnomAD v4.1: 10 of 1,601,634 alleles (0.00062%); highest among the groups gnomAD compares: Middle Eastern, 0.016%; no homozygotes.

Submission:

Labcorp Genetics (formerly Invitae), Labcorp
Classification: Uncertain significance. Last evaluated: 2025-12-14. Review status: criteria provided, single submitter. Criteria: Invitae Variant Classification Sherloc (09022015). Collection method: clinical testing. Allele origin: germline.
Comment: This sequence change affects codon 1310 of the CACNA1D mRNA. It is a 'silent' change, meaning that it does not change the encoded amino acid sequence of the CACNA1D protein. It affects a nucleotide within the consensus splice site. This variant is not present in population databases (gnomAD no frequency). This variant has not been reported in the literature in individuals affected with CACNA1D-related conditions. ClinVar contains an entry for this variant (Variation ID: 2965188). Algorithms developed to predict the effect of sequence changes on RNA splicing suggest that this variant is not likely to affect RNA splicing. In summary, the available evidence is currently insufficient to determine the role of this variant in disease. Therefore, it has been classified as a Variant of Uncertain Significance.

NM_001128840.3(CACNA1D):c.3870C>T (p.Asp1290=)

Gene: CACNA1D (calcium voltage-gated channel subunit alpha1 D; plus strand). Cytogenetic location: 3p21.1.
Variant type: single nucleotide variant.
Coding change: c.3870C>T on transcript NM_001128840.3 (MANE Select); coding-DNA position 3870, C replaced by T.
Protein change: p.Asp1290=; no amino-acid change (aspartic acid 1290 retained).
Molecular consequence: synonymous variant.
Genome position (GRCh38, 1-based): chr3:53,762,081, C>T. VCF-style: chr3-53762081-C-T. GRCh37 (hg19) VCF-style: chr3-53796108-C-T.
Other names: c.3930C>T, p.Asp1310= (NM_000720.4); c.3870C>T, p.Asp1290= (NM_001128839.3).
Identifiers: ClinVar variation 2965188 (VCV002965188.3), dbSNP rs1471149785, ClinGen allele CA433801851.